The following is an entry in ClinVar:

NM_001376.5(DYNC1H1):c.3241G>A (p.Ala1081Thr)

Gene: DYNC1H1 (dynein cytoplasmic 1 heavy chain 1; plus strand). Cytogenetic location: 14q32.31.
Variant type: single nucleotide variant.
Coding change: c.3241G>A on transcript NM_001376.5 (MANE Select); coding-DNA position 3241, G replaced by A.
Protein change: p.Ala1081Thr; replaces alanine 1081 with threonine.
Molecular consequence: missense variant.
Genome position (GRCh38, 1-based): chr14:101,994,757, G>A. VCF-style: chr14-101994757-G-A. GRCh37 (hg19) VCF-style: chr14-102461094-G-A.
Other names: short protein forms A1081T.
Identifiers: ClinVar variation 3636131 (VCV003636131.2).

ClinVar aggregate classification (germline): Uncertain significance (1 of 4 stars; one submission).

Conditions:
Charcot-Marie-Tooth disease axonal type 2O. Also called: Charcot-Marie-Tooth disease, axonal, type 20; CHARCOT-MARIE-TOOTH NEUROPATHY, AXONAL, TYPE 2O; CHARCOT-MARIE-TOOTH DISEASE, AXONAL, AUTOSOMAL DOMINANT, TYPE 2O; Charcot-Marie-Tooth Neuropathy Type 2O. Identifiers: Orphanet 284232, MedGen C3280220, MONDO:0013644, OMIM 614228.

gnomAD v4.1: 1 of 1,614,190 alleles (0.000062%); highest among the groups gnomAD compares: East Asian, 0.0022%; no homozygotes.

Submission:

Labcorp Genetics (formerly Invitae), Labcorp
Classification: Uncertain significance for Charcot-Marie-Tooth disease axonal type 2O. Last evaluated: 2024-07-31. Review status: criteria provided, single submitter. Criteria: Invitae Variant Classification Sherloc (09022015). Collection method: clinical testing. Allele origin: germline.
Comment: This sequence change replaces alanine, which is neutral and non-polar, with threonine, which is neutral and polar, at codon 1081 of the DYNC1H1 protein (p.Ala1081Thr). This variant is not present in population databases (gnomAD no frequency). This variant has not been reported in the literature in individuals affected with DYNC1H1-related conditions. Advanced modeling of protein sequence and biophysical properties (such as structural, functional, and spatial information, amino acid conservation, physicochemical variation, residue mobility, and thermodynamic stability) performed at Invitae indicates that this missense variant is not expected to disrupt DYNC1H1 protein function with a negative predictive value of 95%. In summary, the available evidence is currently insufficient to determine the role of this variant in disease. Therefore, it has been classified as a Variant of Uncertain Significance.